The following is an entry in ClinVar:

NM_000046.5(ARSB):c.430G>C (p.Gly144Arg)

Gene: ARSB (arylsulfatase B; minus strand). Cytogenetic location: 5q14.1.
Variant type: single nucleotide variant.
Coding change: c.430G>C on transcript NM_000046.5 (MANE Select); coding-DNA position 430, G replaced by C.
Protein change: p.Gly144Arg; replaces glycine 144 with arginine.
Molecular consequence: missense variant.
Genome position (GRCh38, 1-based): chr5:78,969,075, C>G on the plus strand (G>C on the coding strand, the complement: ARSB is on the minus strand). VCF-style: chr5-78969075-C-G. GRCh37 (hg19) VCF-style: chr5-78264898-C-G.
Other names: c.430G>C, p.Gly144Arg (NM_198709.3); short protein forms G144R.
Identifiers: ClinVar variation 1352140 (VCV001352140.8), dbSNP rs746206847, ClinGen allele CA360194066.

ClinVar aggregate classification (germline): Pathogenic (1 of 4 stars; one submission).

Conditions:
Mucopolysaccharidosis type 6 (MPS6). Also called: MPS VI; MPS 6; Maroteaux Lamy syndrome; N-ACETYLGALACTOSAMINE-4-SULFATASE DEFICIENCY; ARSB DEFICIENCY; ARYLSULFATASE B DEFICIENCY. Identifiers: Orphanet 583, MedGen C0026709, MONDO:0009661, OMIM 253200.

Submission:

Labcorp Genetics (formerly Invitae), Labcorp
Classification: Pathogenic for Mucopolysaccharidosis type 6. Last evaluated: 2020-11-04. Review status: criteria provided, single submitter. Criteria: Invitae Variant Classification Sherloc (09022015). Collection method: clinical testing. Allele origin: germline.
Comment: For these reasons, this variant has been classified as Pathogenic. This sequence change replaces glycine with arginine at codon 144 of the ARSB protein (p.Gly144Arg). The glycine residue is highly conserved and there is a moderate physicochemical difference between glycine and arginine. This variant is not present in population databases (ExAC no frequency). A different variant (c.430G>A) giving rise to the same protein effect has been determined to be pathogenic (PMID: 8116615, 30982216, 16435196, 26909334). This suggests that this variant is also likely to be causative of disease. Advanced modeling of protein sequence and biophysical properties (such as structural, functional, and spatial information, amino acid conservation, physicochemical variation, residue mobility, and thermodynamic stability) performed at Invitae indicates that this missense variant is expected to disrupt ARSB protein function.

Literature cited by the submitters: PubMed 8116615; PubMed 30982216; PubMed 16435196; PubMed 26909334.